The following is an entry in ClinVar:

ClinVar aggregate classification (germline): Uncertain significance (1 of 4 stars; one submission).

Allele frequency attached by ClinVar (database versions not stated): gnomAD exomes below 0.00001; gnomAD 0.00002; TOPMed 0.00002.
gnomAD v4.1: 5 of 1,613,244 alleles (0.00031%); highest among the groups gnomAD compares: Admixed American, 0.0033%; no homozygotes.

Submission:

GeneDx
Classification: Uncertain significance. Last evaluated: 2023-01-20. Review status: criteria provided, single submitter. Criteria: GeneDx Variant Classification Process June 2021. Collection method: clinical testing. Allele origin: germline. Affected: yes.
Comment: Not observed at significant frequency in large population cohorts (gnomAD); In silico analysis supports that this missense variant does not alter protein structure/function; Has not been previously published as pathogenic or benign to our knowledge

NM_173630.4(RTTN):c.4957C>T (p.Leu1653Phe)

Gene: RTTN (rotatin; minus strand). Cytogenetic location: 18q22.2.
Variant type: single nucleotide variant.
Coding change: c.4957C>T on transcript NM_173630.4 (MANE Select); coding-DNA position 4957, C replaced by T.
Protein change: p.Leu1653Phe; replaces leucine 1653 with phenylalanine.
Molecular consequence: missense variant.
Genome position (GRCh38, 1-based): chr18:70,057,816, G>A on the plus strand (C>T on the coding strand, the complement: RTTN is on the minus strand). VCF-style: chr18-70057816-G-A. GRCh37 (hg19) VCF-style: chr18-67725052-G-A.
Other names: c.2221C>T, p.Leu741Phe (NM_001318520.2); short protein forms L1653F, L741F.
Identifiers: ClinVar variation 2573847 (VCV002573847.1), dbSNP rs1351245125, ClinGen allele CA402693909.